The following is an entry in ClinVar:

ClinVar aggregate classification (germline): Conflicting classifications of pathogenicity. Review status: criteria provided, conflicting classifications (1 of 4 stars). 4 submissions from 4 submitters: Uncertain significance (3); Likely benign (1). Last evaluated 2025-08-04.

Conditions:
Hereditary breast ovarian cancer syndrome. Also called: Hereditary breast and ovarian cancer syndrome; BRCA1- and BRCA2-Associated Hereditary Breast and Ovarian Cancer; Breast and ovarian cancer; Hereditary breast and/or ovarian cancer syndrome; Hereditary breast and ovarian cancer; Hereditary breast and ovarian cancer syndrome (HBOC). Identifiers: Orphanet 145, MedGen C0677776, MeSH D061325, MONDO:0003582. Disease mechanism: loss of function.
Hereditary cancer-predisposing syndrome. Also called: Neoplastic Syndromes, Hereditary; Tumor predisposition; Hereditary Cancer Syndrome; Hereditary neoplastic syndrome. Identifiers: Orphanet 140162, MedGen C0027672, MeSH D009386, MONDO:0015356.

Submissions (4):

Ambry Genetics
Classification: Uncertain significance for Hereditary cancer-predisposing syndrome. Last evaluated: 2025-08-04. Review status: criteria provided, single submitter. Criteria: Ambry Variant Classification Scheme 2023. Collection method: clinical testing. Allele origin: germline.
Comment: The p.P674R variant (also known as c.2021C>G), located in coding exon 9 of the BRCA1 gene, results from a C to G substitution at nucleotide position 2021. The proline at codon 674 is replaced by arginine, an amino acid with dissimilar properties. This amino acid position is poorly conserved in available vertebrate species. In addition, the in silico prediction for this alteration is inconclusive. Based on the available evidence, the clinical significance of this variant remains unclear.

University of Washington Department of Laboratory Medicine, University of Washington
Classification: Likely benign for Hereditary cancer-predisposing syndrome. Last evaluated: 2023-03-23. Review status: criteria provided, single submitter. Criteria: Dines et al. (Genet Med. 2020). Collection method: curation. Allele origin: germline.
Comment: Missense variant in a coldspot region where missense variants are very unlikely to be pathogenic (PMID:31911673).

BRCA1 coldspot (exon 11 using historical exon numbering). Reclassification based on statistical prior probability

Labcorp Genetics (formerly Invitae), Labcorp
Classification: Uncertain significance for Hereditary breast ovarian cancer syndrome. Last evaluated: 2021-12-14. Review status: criteria provided, single submitter. Criteria: Invitae Variant Classification Sherloc (09022015). Collection method: clinical testing. Allele origin: germline.
Comment: This sequence change replaces proline, which is neutral and non-polar, with arginine, which is basic and polar, at codon 674 of the BRCA1 protein (p.Pro674Arg). In summary, the available evidence is currently insufficient to determine the role of this variant in disease. Therefore, it has been classified as a Variant of Uncertain Significance. Advanced modeling of protein sequence and biophysical properties (such as structural, functional, and spatial information, amino acid conservation, physicochemical variation, residue mobility, and thermodynamic stability) performed at Invitae indicates that this missense variant is not expected to disrupt BRCA1 protein function. ClinVar contains an entry for this variant (Variation ID: 233643). This variant has not been reported in the literature in individuals affected with BRCA1-related conditions. This variant is not present in population databases (gnomAD no frequency).

GeneDx
Classification: Uncertain significance. Last evaluated: 2016-06-28. Review status: criteria provided, single submitter. Criteria: GeneDx Variant Classification (06012015). Collection method: clinical testing. Allele origin: germline. Affected: yes.
Comment: This variant is denoted BRCA1 c.2021C>G at the cDNA level, p.Pro674Arg (P674R) at the protein level, and results in the change of a Proline to an Arginine (CCT>CGT). Using alternate nomenclature, this variant would be defined as BRCA1 2140C>G. This variant has not, to our knowledge, been published in the literature as pathogenic or benign. BRCA1 Pro674Arg was not observed in approximately 6,500 individuals of European and African American ancestry in the NHLBI Exome Sequencing Project, suggesting it is not a common benign variant in these populations. Since Proline and Arginine differ in polarity, charge, size or other properties, this is considered a non-conservative amino acid substitution. BRCA1 Pro674Arg occurs at a position that is not conserved and is located within the DNA binding domain as well as a region known to interact with multiple other proteins (Narod 2004, Paul 2014). In silico analyses predict that this variant is unlikely to alter protein structure or function. Based on currently available evidence, it is unclear whether BRCA1 Pro674Arg is a pathogenic or benign variant. We consider it to be a variant of uncertain significance.

NM_007294.4(BRCA1):c.2021C>G (p.Pro674Arg)

Gene: BRCA1 (BRCA1 DNA repair associated; minus strand). Cytogenetic location: 17q21.31.
Variant type: single nucleotide variant.
Coding change: c.2021C>G on transcript NM_007294.4 (MANE Select); coding-DNA position 2021, C replaced by G.
Protein change: p.Pro674Arg; replaces proline 674 with arginine.
Molecular consequence: missense variant. On other transcripts: intron variant (137).
Genome position (GRCh38, 1-based): chr17:43,093,510, G>C on the plus strand (C>G on the coding strand, the complement: BRCA1 is on the minus strand). VCF-style: chr17-43093510-G-C. GRCh37 (hg19) VCF-style: chr17-41245527-G-C.
Other names: c.1808C>G, p.Pro603Arg (NM_001407571.1, NM_001407853.1, NM_001407894.1 and 9 more transcripts); c.2021C>G, p.Pro674Arg (NM_001407581.1, NM_001407582.1, NM_001407583.1 and 30 more transcripts); c.2018C>G, p.Pro673Arg (NM_001407587.1, NM_001407590.1, NM_001407591.1 and 22 more transcripts); c.2012C>G, p.Pro671Arg (NM_001407646.1, NM_001407647.1); c.1898C>G, p.Pro633Arg (NM_001407648.1, NM_001407664.1, NM_001407665.1 and 19 more transcripts); c.1895C>G, p.Pro632Arg (NM_001407649.1, NM_001407670.1, NM_001407671.1 and 11 more transcripts); c.1943C>G, p.Pro648Arg (NM_001407653.1, NM_001407654.1, NM_001407655.1 and 4 more transcripts); c.1940C>G, p.Pro647Arg (NM_001407659.1, NM_001407660.1, NM_001407661.1 and 1 more transcripts); and 40 more; short protein forms P674R, P627R, P378R, P547R, P603R, P607R, P506R, P563R.
Identifiers: ClinVar variation 233643 (VCV000233643.16), dbSNP rs876660543, ClinGen allele CA10580639.